The following is an entry in ClinVar:

ClinVar aggregate classification (germline): Uncertain significance (1 of 4 stars; one submission).

Submission:

Labcorp Genetics (formerly Invitae), Labcorp
Classification: Uncertain significance. Last evaluated: 2024-03-07. Review status: criteria provided, single submitter. Criteria: Invitae Variant Classification Sherloc (09022015). Collection method: clinical testing. Allele origin: germline.
Comment: This sequence change replaces alanine, which is neutral and non-polar, with valine, which is neutral and non-polar, at codon 145 of the ICOSLG protein (p.Ala145Val). This variant is not present in population databases (gnomAD no frequency). This variant has not been reported in the literature in individuals affected with ICOSLG-related conditions. An algorithm developed to predict the effect of missense changes on protein structure and function (PolyPhen-2) suggests that this variant is likely to be tolerated. In summary, the available evidence is currently insufficient to determine the role of this variant in disease. Therefore, it has been classified as a Variant of Uncertain Significance.

NM_015259.6(ICOSLG):c.434C>T (p.Ala145Val)

Gene: ICOSLG (inducible T cell costimulator ligand; minus strand). Cytogenetic location: 21q22.3.
Variant type: single nucleotide variant.
Coding change: c.434C>T on transcript NM_015259.6 (MANE Select); coding-DNA position 434, C replaced by T.
Protein change: p.Ala145Val; replaces alanine 145 with valine.
Molecular consequence: missense variant.
Genome position (GRCh38, 1-based): chr21:44,235,535, G>A on the plus strand (C>T on the coding strand, the complement: ICOSLG is on the minus strand). VCF-style: chr21-44235535-G-A. GRCh37 (hg19) VCF-style: chr21-45655418-G-A.
Other names: c.434C>T, p.Ala145Val (NM_001283050.2, NM_001395918.1); c.83C>T, p.Ala28Val (NM_001283051.2); c.179C>T, p.Ala60Val (NM_001283052.2); c.353C>T, p.Ala118Val (NM_001365759.2); short protein forms A118V, A60V, A28V, A145V.
Identifiers: ClinVar variation 3670742 (VCV003670742.2).